The following is an entry in ClinVar:

NM_002887.4(RARS1):c.1367C>T (p.Ser456Leu)

Gene: RARS1 (arginyl-tRNA synthetase 1; plus strand). Cytogenetic location: 5q34.
Variant type: single nucleotide variant.
Coding change: c.1367C>T on transcript NM_002887.4 (MANE Select); coding-DNA position 1367, C replaced by T.
Protein change: p.Ser456Leu; replaces serine 456 with leucine.
Molecular consequence: missense variant.
Genome position (GRCh38, 1-based): chr5:168,510,601, C>T. VCF-style: chr5-168510601-C-T. GRCh37 (hg19) VCF-style: chr5-167937606-C-T.
Other names: p.Ser456Leu; short protein forms S456L.
Identifiers: ClinVar variation 265854 (VCV000265854.60), dbSNP rs139644798, ClinGen allele CA3549911.

ClinVar aggregate classification (germline): Conflicting classifications of pathogenicity. Review status: criteria provided, conflicting classifications (1 of 4 stars). 17 submissions from 17 submitters: Pathogenic (2); Likely pathogenic (6); Uncertain significance (5); Benign (1); Likely benign (1). 2 of the submissions do not count toward it. Last evaluated 2026-02-01.

Conditions:
RARS1-related disorder. Also called: RARS1-related condition.
Leukodystrophy, hypomyelinating, 9. Identifiers: Orphanet 438114, MedGen C4015323, MONDO:0014506, OMIM 616140.
Inborn genetic diseases. Identifiers: MedGen C0950123, MeSH D030342.

Allele frequency attached by ClinVar (database versions not stated): TOPMed 0.00032; gnomAD exomes 0.00038 and 0.00043; gnomAD 0.00044; ExAC 0.00049; 1000 Genomes Project 0.00060; ESP Exome Variant Server 0.00069; 1000 Genomes Project 30x 0.00078.
gnomAD v4.1: 684 of 1,607,570 alleles (0.043%); highest among the groups gnomAD compares: Middle Eastern, 0.099%; 2 homozygotes.

Submissions 1 to 12 of 17:

CeGaT Center for Human Genetics Tuebingen
Classification: Uncertain significance. Last evaluated: 2026-02-01. Review status: criteria provided, single submitter. Criteria: CeGaT Center For Human Genetics Tuebingen Variant Classification Criteria Version 2. Collection method: clinical testing. Allele origin: germline. Affected: yes. Observed: 3 variant alleles.
Comment: RARS1: PM3, PM2:Supporting

Labcorp Genetics (formerly Invitae), Labcorp
Classification: Benign. Last evaluated: 2026-01-05. Review status: criteria provided, single submitter. Criteria: Invitae Variant Classification Sherloc (09022015). Collection method: clinical testing. Allele origin: germline.

PreventionGenetics, part of Exact Sciences
Classification: Uncertain significance for RARS1-related condition. Last evaluated: 2025-12-08. Review status: criteria provided, single submitter. Criteria: ACMG Guidelines, 2015. Collection method: clinical testing. Allele origin: germline.
Comment: The RARS1 c.1367C>T variant is predicted to result in the amino acid substitution p.Ser456Leu. This variant was reported in the heterozygous state with another truncating or missense variant in patients with Pelizaeus-Merzbacher disease or mild hypomyelinating leukodystrophy (Nafisinia et al. 2017. PubMed ID: 28905880; Mendes et al. 2019. PubMed ID: 31814314; Cohen et al. 2023. PubMed ID: 38523675). In vitro studies demonstrated that this variant affected the protein function (Matsumoto et al. 2019. PubMed ID: 31737794). This variant is reported in 0.072% of alleles in individuals of European (Non-Finnish) descent in gnomAD with two homozygotes. This variant is interpreted from uncertain significance, likely pathogenic to pathogenic in ClinVar. Although we suspect that this variant may be pathogenic, at this time, the clinical significance of this variant is uncertain due to the absence of conclusive functional and genetic evidence.

Women's Health and Genetics/Laboratory Corporation of America, LabCorp
Classification: Likely benign. Last evaluated: 2025-11-18. Review status: criteria provided, single submitter. Criteria: LabCorp Variant Classification Summary - May 2015. Collection method: clinical testing. Allele origin: germline.
Comment: Variant summary: RARS1 c.1367C>T (p.Ser456Leu) results in a non-conservative amino acid change located in the Arginyl-tRNA synthetase, catalytic core domain (IPR035684) of the encoded protein sequence. Algorithms developed to predict the effect of missense changes on protein structure and function are either unavailable or do not agree on the potential impact of this missense change. The variant allele was found at a frequency of 0.00045 in 276330 control chromosomes, predominantly at a frequency of 0.00072 within the Non-Finnish European subpopulation in the gnomAD database, including 2 homozygotes. c.1367C>T has been reported in the literature in the presumed compound heterozygous state in at-least 2 individuals affected with clinical features of Hypomyelinating Leukodystrophy 9 (example, Nafisinia_2017, Mendes_2020). At-least one of these cases involved a second variant that presumably escapes nonsense mediated decay (NMD) and its parent of origin (de-novo versus paternal) was not clearly established (Nafisina_2017). At least one publication reports experimental evidence evaluating an impact on protein function. This variant appeared to negatively impact protein localization/folding and the most pronounced variant effect results in >50%-90% of normal enzymatic activity in vitro (example, Li_2021, Matsumoto_2019), however cell background and some assay designs were not clearly relevant to the tissues involved in RARS1-related conditions. The following publications have been ascertained in the context of this evaluation (PMID: 33515434, 31737794, 31814314, 28905880, 38523675). ClinVar contains an entry for this variant (Variation ID: 265854). Based on the evidence outlined above, the variant was classified as likely benign.

3billion
Classification: Likely pathogenic for Leukodystrophy, hypomyelinating, 9. Last evaluated: 2025-03-25. Review status: criteria provided, single submitter. Criteria: ACMG Guidelines, 2015. Collection method: clinical testing. Allele origin: germline. Affected: yes.

Laboratory of Genetics, Children's Clinical University Hospital Latvia
Classification: Pathogenic. Last evaluated: 2025-02-16. Review status: criteria provided, single submitter. Criteria: ACMG Guidelines, 2015. Collection method: clinical testing. Allele origin: germline. Affected: yes.

First Genomix Gene Laboratory, Genetic Diagnostics Department
Classification: Likely pathogenic for Leukodystrophy, hypomyelinating, 9. Last evaluated: 2025-01-22. Review status: criteria provided, single submitter. Criteria: ACMG Guidelines, 2015. Collection method: clinical testing. Allele origin: germline. Inheritance: Autosomal recessive inheritance. Affected: no. Observed: 1 variant allele.

Blueprint Genetics
Classification: Uncertain significance. Last evaluated: 2024-10-14. Review status: criteria provided, single submitter. Criteria: ACMG Guidelines, 2015. Collection method: clinical testing. Allele origin: germline.

Mayo Clinic Laboratories, Mayo Clinic
Classification: Uncertain significance. Last evaluated: 2024-03-08. Review status: criteria provided, single submitter. Criteria: ACMG Guidelines, 2015. Collection method: clinical testing. Allele origin: germline. Observed: 1 variant allele.
Comment: PM2_moderate

Victorian Clinical Genetics Services, Murdoch Childrens Research Institute
Classification: Likely pathogenic for Leukodystrophy, hypomyelinating, 9. Last evaluated: 2022-06-24. Review status: criteria provided, single submitter. Criteria: ACMG Guidelines, 2015. Collection method: clinical testing. Allele origin: germline. Inheritance: Autosomal recessive inheritance. Affected: no.
Comment: Based on the classification scheme VCGS_Germline_v1.3.4, this variant is classified as Likely pathogenic. Following criteria are met: 0102 - Loss of function is a likely mechanism of disease in this gene and is associated with hypomyelinating leukodystrophy, 9 (MIM#616140). Toxic gain of function has also been suggested (PMID: 31737794). (I) 0106 - This gene is associated with autosomal recessive disease. (I) 0200 - Variant is predicted to result in a missense amino acid change from serine to leucine. (I) 0251 - This variant is heterozygous. (I) 0304 - Variant is present in gnomAD (v2) <0.01 for a recessive condition (119 heterozygotes, 2 homozygotes). (SP) 0502 - Missense variant with conflicting in silico predictions and uninformative conservation. (I) 0600 - Variant is located adjacent in the annotated KMSKS motif, near a catalytic domain (PMID: 33515434, PMID: 28905880). (I) 0705 - No comparable missense variants have previous evidence for pathogenicity. (I) 0801 - This variant has strong previous evidence of pathogenicity in unrelated individuals. This variant has been reported as likely pathogenic and pathogenic, and observed in two compound heterozygous individuals with a hypomyelination disorder or mild hypomyelinating leukodystrophy. In one individual, the second variant was either due to a de novo event or non-paternity (PMID: 28905880, PMID: 31814314, ClinVar). (SP) 0905 - No published segregation evidence has been identified for this variant. (I) 1002 - This variant has moderate functional evidence supporting abnormal protein function. Transfected cells demonstrated protein mislocalization, increases in punctate structures and decreased phosphorylation of ribosomal S6 protein (PMID: 31737794), whereas transfected E.coli cells showed decreased aminoacetylation activity (PMID: 33515434). (SP) 1208 - Inheritance information for this variant is not currently available in this individual. (I) Legend: (SP) - Supporting pathogenic, (I) - Information, (SB) - Supporting benign

Institute for Clinical Genetics, University Hospital TU Dresden, University Hospital TU Dresden
Classification: Pathogenic. Last evaluated: 2021-11-03. Review status: criteria provided, single submitter. Criteria: ACMG Guidelines, 2015. Collection method: clinical testing. Allele origin: germline.

Genetics and Molecular Pathology, SA Pathology
Classification: Likely pathogenic for Leukodystrophy, hypomyelinating, 9. Last evaluated: 2021-04-15. Review status: criteria provided, single submitter. Criteria: ACMG Guidelines, 2015. Collection method: clinical testing. Allele origin: germline. Inheritance: Autosomal recessive inheritance. Affected: yes.